The following is an entry in ClinVar:

ClinVar aggregate classification (germline): Uncertain significance. Review status: criteria provided, multiple submitters, no conflicts (2 of 4 stars). 2 submissions from 2 submitters: Uncertain significance (2). Last evaluated 2025-08-07.

Conditions:
Hereditary cancer-predisposing syndrome. Also called: Tumor predisposition; Hereditary neoplastic syndrome; Neoplastic Syndromes, Hereditary; Hereditary Cancer Syndrome. Identifiers: Orphanet 140162, MedGen C0027672, MeSH D009386, MONDO:0015356.

Allele frequency attached by ClinVar (database versions not stated): gnomAD exomes 0.00001.
gnomAD v4.1: 6 of 1,613,750 alleles (0.00037%); highest among the groups gnomAD compares: South Asian, 0.0055%; no homozygotes.

Submissions (2):

Ambry Genetics
Classification: Uncertain significance for Hereditary cancer-predisposing syndrome. Last evaluated: 2025-08-07. Review status: criteria provided, single submitter. Criteria: Ambry Variant Classification Scheme 2023. Collection method: clinical testing. Allele origin: germline.

Labcorp Genetics (formerly Invitae), Labcorp
Classification: Uncertain significance. Last evaluated: 2025-04-17. Review status: criteria provided, single submitter. Criteria: Invitae Variant Classification Sherloc (09022015). Collection method: clinical testing. Allele origin: germline.
Comment: This sequence change replaces glutamic acid, which is acidic and polar, with alanine, which is neutral and non-polar, at codon 995 of the MSH3 protein (p.Glu995Ala). This variant is not present in population databases (gnomAD no frequency). This variant has not been reported in the literature in individuals affected with MSH3-related conditions. ClinVar contains an entry for this variant (Variation ID: 856006). An algorithm developed to predict the effect of missense changes on protein structure and function (PolyPhen-2) suggests that this variant is likely to be disruptive. In summary, the available evidence is currently insufficient to determine the role of this variant in disease. Therefore, it has been classified as a Variant of Uncertain Significance.

NM_002439.5(MSH3):c.2984A>C (p.Glu995Ala)

Gene: MSH3 (mutS homolog 3; plus strand). Cytogenetic location: 5q14.1.
Variant type: single nucleotide variant.
Coding change: c.2984A>C on transcript NM_002439.5 (MANE Select); coding-DNA position 2984, A replaced by C.
Protein change: p.Glu995Ala; replaces glutamic acid 995 with alanine.
Molecular consequence: missense variant.
Genome position (GRCh38, 1-based): chr5:80,854,300, A>C. VCF-style: chr5-80854300-A-C. GRCh37 (hg19) VCF-style: chr5-80150119-A-C.
Other names: short protein forms E995A.
Identifiers: ClinVar variation 856006 (VCV000856006.13), dbSNP rs1745880551, ClinGen allele CA360275826.